The following is an entry in ClinVar:

NM_025099.6(CTC1):c.1576A>G (p.Asn526Asp)

Gene: CTC1 (CST telomere replication complex component 1; minus strand). Cytogenetic location: 17p13.1.
Variant type: single nucleotide variant.
Coding change: c.1576A>G on transcript NM_025099.6 (MANE Select); coding-DNA position 1576, A replaced by G.
Protein change: p.Asn526Asp; replaces asparagine 526 with aspartic acid.
Molecular consequence: missense variant. On other transcripts: non-coding transcript variant (1).
Genome position (GRCh38, 1-based): chr17:8,234,790, T>C on the plus strand (A>G on the coding strand, the complement: CTC1 is on the minus strand). VCF-style: chr17-8234790-T-C. GRCh37 (hg19) VCF-style: chr17-8138108-T-C.
Other names: short protein forms N526D.
Identifiers: ClinVar variation 1376103 (VCV001376103.8), dbSNP rs2151518271, ClinGen allele CA397983767.
Genomic context (GRCh38, chr17:8,234,790, plus strand): 5'-TTCCCCCACATCCTCATACTTTCTGGAGGGGACAGTGATGTGGCTCTTCAAGGATCTCAT[T>C]GTGTGCATTCCGAACAGGGCTGCCTGGCGGAGCTAGAAGATCCAGGGTAGGAGCCAGGAG-3'
Protein context (NP_079375.3, residues 516-536): PPGSPVRNAH[Asn526Asp]EILEEPHHCP

ClinVar aggregate classification (germline): Uncertain significance (1 of 4 stars; one submission).

Conditions:
Dyskeratosis congenita. Identifiers: Orphanet 1775, MedGen C0265965, MONDO:0015780.

Submission:

Labcorp Genetics (formerly Invitae), Labcorp
Classification: Uncertain significance for Dyskeratosis congenita. Last evaluated: 2025-10-03. Review status: criteria provided, single submitter. Criteria: Invitae Variant Classification Sherloc (09022015). Collection method: clinical testing. Allele origin: germline.
Comment: This sequence change replaces asparagine, which is neutral and polar, with aspartic acid, which is acidic and polar, at codon 526 of the CTC1 protein (p.Asn526Asp). This variant is not present in population databases (gnomAD no frequency). This variant has not been reported in the literature in individuals affected with CTC1-related conditions. ClinVar contains an entry for this variant (Variation ID: 1376103). Invitae Evidence Modeling of protein sequence and biophysical properties (such as structural, functional, and spatial information, amino acid conservation, physicochemical variation, residue mobility, and thermodynamic stability) indicates that this missense variant is not expected to disrupt CTC1 protein function with a negative predictive value of 80%. In summary, the available evidence is currently insufficient to determine the role of this variant in disease. Therefore, it has been classified as a Variant of Uncertain Significance.